The following is an entry in ClinVar:

NM_002691.4(POLD1):c.1927G>A (p.Gly643Arg)

Gene: POLD1 (DNA polymerase delta 1, catalytic subunit; plus strand). Cytogenetic location: 19q13.33.
Variant type: single nucleotide variant.
Coding change: c.1927G>A on transcript NM_002691.4 (MANE Select); coding-DNA position 1927, G replaced by A.
Protein change: p.Gly643Arg; replaces glycine 643 with arginine.
Molecular consequence: missense variant. On other transcripts: non-coding transcript variant (1).
Genome position (GRCh38, 1-based): chr19:50,409,156, G>A. VCF-style: chr19-50409156-G-A. GRCh37 (hg19) VCF-style: chr19-50912413-G-A.
Other names: c.1927G>A, p.Gly643Arg (NM_001256849.1); c.2005G>A, p.Gly669Arg (NM_001308632.1); c.1927G>A (NM_002691.2); short protein forms G669R, G643R.
Identifiers: ClinVar variation 659888 (VCV000659888.14), dbSNP rs142361709, ClinGen allele CA9596329.

ClinVar aggregate classification (germline): Uncertain significance. Review status: criteria provided, multiple submitters, no conflicts (2 of 4 stars). 3 submissions from 3 submitters: Uncertain significance (3). Last evaluated 2026-01-07.

Conditions:
POLD1-related polyposis and colorectal cancer syndrome (CRCS10). Also called: Colorectal cancer, susceptibility to, 10; Colorectal cancer 10; COLORECTAL CANCER, SUSCEPTIBILITY TO, ON CHROMOSOME 19q. Identifiers: Orphanet 220460, MedGen C2675481, MONDO:0012953, OMIM 612591.
Hereditary cancer-predisposing syndrome. Also called: Hereditary neoplastic syndrome; Tumor predisposition; Hereditary Cancer Syndrome; Neoplastic Syndromes, Hereditary. Identifiers: Orphanet 140162, MedGen C0027672, MeSH D009386, MONDO:0015356.

Allele frequency attached by ClinVar (database versions not stated): gnomAD exomes below 0.00001; ExAC 0.00001; gnomAD 0.00001 and 0.00002; TOPMed 0.00001; ESP Exome Variant Server 0.00008.
gnomAD v4.1: 5 of 1,613,384 alleles (0.00031%); highest among the groups gnomAD compares: African/African-American, 0.0027%; no homozygotes.

Submissions (3):

Labcorp Genetics (formerly Invitae), Labcorp
Classification: Uncertain significance for POLD1-related polyposis and colorectal cancer syndrome. Last evaluated: 2026-01-07. Review status: criteria provided, single submitter. Criteria: Invitae Variant Classification Sherloc (09022015). Collection method: clinical testing. Allele origin: germline.
Comment: This sequence change replaces glycine, which is neutral and non-polar, with arginine, which is basic and polar, at codon 643 of the POLD1 protein (p.Gly643Arg). This variant is not present in population databases (gnomAD no frequency). This variant has not been reported in the literature in individuals affected with POLD1-related conditions. ClinVar contains an entry for this variant (Variation ID: 659888). Invitae Evidence Modeling of protein sequence and biophysical properties (such as structural, functional, and spatial information, amino acid conservation, physicochemical variation, residue mobility, and thermodynamic stability) indicates that this missense variant is not expected to disrupt POLD1 protein function with a negative predictive value of 80%. In summary, the available evidence is currently insufficient to determine the role of this variant in disease. Therefore, it has been classified as a Variant of Uncertain Significance.

Ambry Genetics
Classification: Uncertain significance for Hereditary cancer-predisposing syndrome. Last evaluated: 2025-02-19. Review status: criteria provided, single submitter. Criteria: Ambry Variant Classification Scheme 2023. Collection method: clinical testing. Allele origin: germline.
Comment: The p.G643R variant (also known as c.1927G>A), located in coding exon 15 of the POLD1 gene, results from a G to A substitution at nucleotide position 1927. The glycine at codon 643 is replaced by arginine, an amino acid with dissimilar properties. This amino acid position is highly conserved in available vertebrate species. In addition, the in silico prediction for this alteration is inconclusive. Based on the available evidence, the clinical significance of this variant remains unclear.

GeneDx
Classification: Uncertain significance. Last evaluated: 2019-11-14. Review status: criteria provided, single submitter. Criteria: GeneDx Variant Classification Process June 2021. Collection method: clinical testing. Allele origin: germline. Affected: yes.
Comment: Not observed at a significant frequency in large population cohorts (Lek 2016); In silico analysis, which includes protein predictors and evolutionary conservation, supports a deleterious effect. In addition, multiple splicing models predict that this variant may impact gene splicing.; Has not been previously published as pathogenic or benign to our knowledge